The following is an entry in ClinVar:

NM_000135.4(FANCA):c.1771C>G (p.Arg591Gly)

Gene: FANCA (FA complementation group A; minus strand). Cytogenetic location: 16q24.3.
Variant type: single nucleotide variant.
Coding change: c.1771C>G on transcript NM_000135.4 (MANE Select); coding-DNA position 1771, C replaced by G.
Protein change: p.Arg591Gly; replaces arginine 591 with glycine.
Molecular consequence: missense variant.
Genome position (GRCh38, 1-based): chr16:89,778,948, G>C on the plus strand (C>G on the coding strand, the complement: FANCA is on the minus strand). VCF-style: chr16-89778948-G-C. GRCh37 (hg19) VCF-style: chr16-89845356-G-C.
Other names: c.1771C>G, p.Arg591Gly (NM_001286167.3); short protein forms R591G.
Identifiers: ClinVar variation 1004081 (VCV001004081.7), dbSNP rs753980264, ClinGen allele CA8252115.

ClinVar aggregate classification (germline): Uncertain significance. Review status: criteria provided, single submitter (1 of 4 stars). 2 submissions from 2 submitters: Uncertain significance (1). 1 of the submissions does not count toward it. Last evaluated 2024-11-26.

Conditions:
Fanconi anemia (FA). Also called: Fanconi's anemia. Identifiers: Orphanet 84, MedGen C0015625, MeSH D005199, MONDO:0019391.

Allele frequency attached by ClinVar (database versions not stated): ExAC 0.00001; gnomAD exomes 0.00001; TOPMed 0.00006; gnomAD 0.00007 and 0.00009.
gnomAD v4.1: 16 of 1,614,032 alleles (0.00099%); highest among the groups gnomAD compares: African/African-American, 0.021%; no homozygotes.

Submissions (2):

Labcorp Genetics (formerly Invitae), Labcorp
Classification: Uncertain significance for Fanconi anemia. Last evaluated: 2024-11-26. Review status: criteria provided, single submitter. Criteria: Invitae Variant Classification Sherloc (09022015). Collection method: clinical testing. Allele origin: germline.
Comment: This sequence change replaces arginine, which is basic and polar, with glycine, which is neutral and non-polar, at codon 591 of the FANCA protein (p.Arg591Gly). This variant is present in population databases (rs753980264, gnomAD 0.02%). This variant has not been reported in the literature in individuals affected with FANCA-related conditions. ClinVar contains an entry for this variant (Variation ID: 1004081). Invitae Evidence Modeling of protein sequence and biophysical properties (such as structural, functional, and spatial information, amino acid conservation, physicochemical variation, residue mobility, and thermodynamic stability) has been performed for this missense variant. However, the output from this modeling did not meet the statistical confidence thresholds required to predict the impact of this variant on FANCA protein function. In summary, the available evidence is currently insufficient to determine the role of this variant in disease. Therefore, it has been classified as a Variant of Uncertain Significance.

Natera, Inc.
Classification: Uncertain significance for Fanconi anemia. Last evaluated: 2021-04-21. Review status: no assertion criteria provided. Collection method: clinical testing. Allele origin: germline. Not counted in ClinVar's aggregate classification.